The following is an entry in ClinVar:

ClinVar aggregate classification (germline): Pathogenic (1 of 4 stars; one submission).

Conditions:
Alport syndrome. Also called: Hemorrhagic familial nephritis; Hemorrhagic hereditary nephritis; Congenital hereditary hematuria. Identifiers: Orphanet 63, MedGen C1567741, MONDO:0018965.

Submission:

Myriad Genetics, Inc.
Classification: Pathogenic for Alport syndrome. Last evaluated: 2024-10-16. Review status: criteria provided, single submitter. Criteria: Myriad Autosomal Dominant, Autosomal Recessive and X-Linked Classification Criteria (2023). Collection method: clinical testing. Allele origin: unknown.
Comment: NM_000092.4(COL4A4):c.1116delA(F374Sfs*30) is expected to be pathogenic in the context of Alport syndrome, COL4A4-related. This variant is predicted to lead to an abnormal or absent protein product due to the creation of a premature termination codon in COL4A4, a gene where loss-of-function variants are known to be pathogenic. Please note: this variant was assessed in the context of healthy population screening.

NM_000092.5(COL4A4):c.1116del (p.Phe374fs)

Gene: COL4A4 (collagen type IV alpha 4 chain; minus strand). Cytogenetic location: 2q36.3.
Variant type: Deletion.
Coding change: c.1116del on transcript NM_000092.5 (MANE Select); coding-DNA position 1116, one base deleted (A; older notation c.1116delA).
Protein change: p.Phe374fs; shifts the reading frame from phenylalanine 374.
Molecular consequence: frameshift variant.
Genome position (GRCh38, 1-based): chr2:227,098,782, T deleted on the plus strand (A on the coding strand, the reverse complement: COL4A4 is on the minus strand). VCF-style (leftmost placement, unchanged base first): chr2-227098781-CT-C. GRCh37 (hg19) VCF-style: chr2-227963497-CT-C.
Other names: short protein forms F374fs.
Identifiers: ClinVar variation 5013641 (VCV005013641.1).